The following is an entry in ClinVar:

NM_006231.4(POLE):c.5777A>G (p.Lys1926Arg)

Gene: POLE (DNA polymerase epsilon, catalytic subunit; minus strand). Cytogenetic location: 12q24.33.
Variant type: single nucleotide variant.
Coding change: c.5777A>G on transcript NM_006231.4 (MANE Select); coding-DNA position 5777, A replaced by G.
Protein change: p.Lys1926Arg; replaces lysine 1926 with arginine.
Molecular consequence: missense variant.
Genome position (GRCh38, 1-based): chr12:132,635,926, T>C on the plus strand (A>G on the coding strand, the complement: POLE is on the minus strand). VCF-style: chr12-132635926-T-C. GRCh37 (hg19) VCF-style: chr12-133212512-T-C.
Other names: short protein forms K1926R.
Identifiers: ClinVar variation 473764 (VCV000473764.11), dbSNP rs757847276, ClinGen allele CA6892398.

ClinVar aggregate classification (germline): Conflicting classifications of pathogenicity. Review status: criteria provided, conflicting classifications (1 of 4 stars). 2 submissions from 2 submitters: Uncertain significance (1); Likely benign (1). Last evaluated 2025-05-25.

Conditions:
Hereditary cancer-predisposing syndrome. Also called: Neoplastic Syndromes, Hereditary; Tumor predisposition; Hereditary Cancer Syndrome; Hereditary neoplastic syndrome. Identifiers: Orphanet 140162, MedGen C0027672, MeSH D009386, MONDO:0015356.

Allele frequency attached by ClinVar (database versions not stated): TOPMed below 0.00001; gnomAD 0.00001; gnomAD exomes 0.00001 and 0.00002; ExAC 0.00002.
gnomAD v4.1: 19 of 1,613,712 alleles (0.0012%); highest among the groups gnomAD compares: South Asian, 0.02%; no homozygotes.

Submissions (2):

Labcorp Genetics (formerly Invitae), Labcorp
Classification: Uncertain significance. Last evaluated: 2025-05-25. Review status: criteria provided, single submitter. Criteria: Invitae Variant Classification Sherloc (09022015). Collection method: clinical testing. Allele origin: germline.
Comment: This sequence change replaces lysine, which is basic and polar, with arginine, which is basic and polar, at codon 1926 of the POLE protein (p.Lys1926Arg). This variant is present in population databases (rs757847276, gnomAD 0.02%). This variant has not been reported in the literature in individuals affected with POLE-related conditions. ClinVar contains an entry for this variant (Variation ID: 473764). Invitae Evidence Modeling of protein sequence and biophysical properties (such as structural, functional, and spatial information, amino acid conservation, physicochemical variation, residue mobility, and thermodynamic stability) indicates that this missense variant is not expected to disrupt POLE protein function with a negative predictive value of 80%. In summary, the available evidence is currently insufficient to determine the role of this variant in disease. Therefore, it has been classified as a Variant of Uncertain Significance.

Ambry Genetics
Classification: Likely benign for Hereditary cancer-predisposing syndrome. Last evaluated: 2024-10-17. Review status: criteria provided, single submitter. Criteria: Ambry Variant Classification Scheme 2023. Collection method: clinical testing. Allele origin: germline.